The following is an entry in ClinVar:

ClinVar aggregate classification (germline): Uncertain significance (1 of 4 stars; one submission).

Allele frequency attached by ClinVar (database versions not stated): TOPMed 0.00001.

Submission:

Labcorp Genetics (formerly Invitae), Labcorp
Classification: Uncertain significance. Last evaluated: 2022-05-06. Review status: criteria provided, single submitter. Criteria: Invitae Variant Classification Sherloc (09022015). Collection method: clinical testing. Allele origin: germline.
Comment: This variant has not been reported in the literature in individuals affected with RCBTB1-related conditions. In summary, the available evidence is currently insufficient to determine the role of this variant in disease. Therefore, it has been classified as a Variant of Uncertain Significance. Algorithms developed to predict the effect of missense changes on protein structure and function are either unavailable or do not agree on the potential impact of this missense change (SIFT: "Deleterious"; PolyPhen-2: "Benign"; Align-GVGD: "Class C25"). This variant is not present in population databases (gnomAD no frequency). This sequence change replaces isoleucine, which is neutral and non-polar, with threonine, which is neutral and polar, at codon 279 of the RCBTB1 protein (p.Ile279Thr).

NM_018191.4(RCBTB1):c.836T>C (p.Ile279Thr)

Gene: RCBTB1 (RCC1 and BTB domain containing protein 1; minus strand). Cytogenetic location: 13q14.2.
Variant type: single nucleotide variant.
Coding change: c.836T>C on transcript NM_018191.4 (MANE Select); coding-DNA position 836, T replaced by C.
Protein change: p.Ile279Thr; replaces isoleucine 279 with threonine.
Molecular consequence: missense variant. On other transcripts: non-coding transcript variant (2).
Genome position (GRCh38, 1-based): chr13:49,551,344, A>G on the plus strand (T>C on the coding strand, the complement: RCBTB1 is on the minus strand). VCF-style: chr13-49551344-A-G. GRCh37 (hg19) VCF-style: chr13-50125480-A-G.
Other names: c.836T>C, p.Ile279Thr (NM_001352500.2, NM_001352501.2, NM_001352502.2 and 3 more transcripts); c.257T>C, p.Ile86Thr (NM_001352506.2); short protein forms I279T, I86T.
Identifiers: ClinVar variation 1918950 (VCV001918950.5), dbSNP rs933243601, ClinGen allele CA249365506.